The following is an entry in ClinVar:

ClinVar aggregate classification (germline): Uncertain significance (1 of 4 stars; one submission).

Conditions:
Cortical dysplasia-focal epilepsy syndrome (PTHSL1). Also called: Pitt-Hopkins-like syndrome 1. Identifiers: Orphanet 163681, Orphanet 221150, MedGen C2750246, MONDO:0012400, OMIM 610042.

Allele frequency attached by ClinVar (database versions not stated): gnomAD exomes below 0.00001; ExAC 0.00002.
gnomAD v4.1: 3 of 1,614,104 alleles (0.00019%); highest among the groups gnomAD compares: Non-Finnish European, 0.00025%; no homozygotes.

Submission:

Labcorp Genetics (formerly Invitae), Labcorp
Classification: Uncertain significance for Cortical dysplasia-focal epilepsy syndrome. Last evaluated: 2022-07-30. Review status: criteria provided, single submitter. Criteria: Invitae Variant Classification Sherloc (09022015). Collection method: clinical testing. Allele origin: germline.
Comment: In summary, the available evidence is currently insufficient to determine the role of this variant in disease. Therefore, it has been classified as a Variant of Uncertain Significance. Algorithms developed to predict the effect of missense changes on protein structure and function (SIFT, PolyPhen-2, Align-GVGD) all suggest that this variant is likely to be disruptive. This variant has not been reported in the literature in individuals affected with CNTNAP2-related conditions. This variant is present in population databases (rs773125933, gnomAD 0.002%). This sequence change replaces valine, which is neutral and non-polar, with leucine, which is neutral and non-polar, at codon 871 of the CNTNAP2 protein (p.Val871Leu).

NM_014141.6(CNTNAP2):c.2611G>T (p.Val871Leu)

Gene: CNTNAP2 (contactin associated protein 2; plus strand). Cytogenetic location: 7q35.
Variant type: single nucleotide variant.
Coding change: c.2611G>T on transcript NM_014141.6 (MANE Select); coding-DNA position 2611, G replaced by T.
Protein change: p.Val871Leu; replaces valine 871 with leucine.
Molecular consequence: missense variant.
Genome position (GRCh38, 1-based): chr7:148,147,547, G>T. VCF-style: chr7-148147547-G-T. GRCh37 (hg19) VCF-style: chr7-147844639-G-T.
Other names: short protein forms V871L.
Identifiers: ClinVar variation 1718660 (VCV001718660.6), dbSNP rs773125933, ClinGen allele CA4546444.